The following is an entry in ClinVar:

ClinVar aggregate classification (germline): Benign/Likely benign. Review status: criteria provided, multiple submitters, no conflicts (2 of 4 stars). 4 submissions from 4 submitters: Benign (1); Likely benign (3). Last evaluated 2025-06-29.

Conditions:
Hereditary cancer-predisposing syndrome. Also called: Hereditary Cancer Syndrome; Hereditary neoplastic syndrome; Neoplastic Syndromes, Hereditary; Tumor predisposition. Identifiers: Orphanet 140162, MedGen C0027672, MeSH D009386, MONDO:0015356.
Familial cancer of breast. Also called: Hereditary breast cancer; hereditary breast carcinoma; BREAST CANCER, FAMILIAL. Identifiers: Orphanet 227535, MedGen C0346153, MONDO:0016419, OMIM 114480. Disease mechanism: loss of function.

Submissions (4):

Labcorp Genetics (formerly Invitae), Labcorp
Classification: Likely benign for Familial cancer of breast. Last evaluated: 2025-06-29. Review status: criteria provided, single submitter. Criteria: Invitae Variant Classification Sherloc (09022015). Collection method: clinical testing. Allele origin: germline.

Myriad Genetics, Inc.
Classification: Benign for Familial cancer of breast. Last evaluated: 2024-10-08. Review status: criteria provided, single submitter. Criteria: Myriad Autosomal Dominant, Autosomal Recessive and X-Linked Classification Criteria (2023). Collection method: clinical testing. Allele origin: unknown.
Comment: This variant is considered benign. This variant is a silent/synonymous amino acid change and it is not expected to impact splicing.

Ambry Genetics
Classification: Likely benign for Hereditary cancer-predisposing syndrome. Last evaluated: 2020-01-02. Review status: criteria provided, single submitter. Criteria: Ambry Variant Classification Scheme 2023. Collection method: clinical testing. Allele origin: germline.

GeneDx
Classification: Likely benign. Last evaluated: 2017-07-12. Review status: criteria provided, single submitter. Criteria: GeneDx Variant Classification (06012015). Collection method: clinical testing. Allele origin: germline. Affected: yes.
Comment: This variant is considered likely benign or benign based on one or more of the following criteria: it is a conservative change, it occurs at a poorly conserved position in the protein, it is predicted to be benign by multiple in silico algorithms, and/or has population frequency not consistent with disease.

NM_007194.4(CHEK2):c.1368A>T (p.Ser456=)

Gene: CHEK2 (checkpoint kinase 2; minus strand). Cytogenetic location: 22q12.1.
Variant type: single nucleotide variant.
Coding change: c.1368A>T on transcript NM_007194.4 (MANE Select); coding-DNA position 1368, A replaced by T.
Protein change: p.Ser456=; no amino-acid change (serine 456 retained).
Molecular consequence: synonymous variant.
Genome position (GRCh38, 1-based): chr22:28,695,134, T>A on the plus strand (A>T on the coding strand, the complement: CHEK2 is on the minus strand). VCF-style: chr22-28695134-T-A. GRCh37 (hg19) VCF-style: chr22-29091122-T-A.
Other names: c.1281A>T, p.Ser427= (NM_145862.3); c.1497A>T, p.Ser499= (NM_001005735.3); c.705A>T, p.Ser235= (NM_001257387.3); c.1167A>T, p.Ser389= (NM_001349956.3).
Identifiers: ClinVar variation 388795 (VCV000388795.14), dbSNP rs1057523229, ClinGen allele CA16608139.
Genomic context (GRCh38, chr22:28,695,134, plus strand): 5'-AGCACATACACATTTTAGCATACCACAAATTCTTAACCCTTTCATATTCATACCTTTCTC[T>A]GAGACTTCTGCCCAGACTTCAGGAATGAAGTTGTATTTTCCACTGGTGATCTGATCCTTC-3'
Protein context (NP_009125.1, residues 446-466): NFIPEVWAEV[Ser456=]EKALDLVKKL